The following is an entry in ClinVar:

ClinVar aggregate classification (germline): Pathogenic (1 of 4 stars; one submission).

Conditions:
Hereditary cancer-predisposing syndrome. Also called: Hereditary Cancer Syndrome; Hereditary neoplastic syndrome; Neoplastic Syndromes, Hereditary; Tumor predisposition. Identifiers: Orphanet 140162, MedGen C0027672, MeSH D009386, MONDO:0015356.

Submission:

Ambry Genetics
Classification: Pathogenic for Hereditary cancer-predisposing syndrome. Last evaluated: 2025-05-29. Review status: criteria provided, single submitter. Criteria: Ambry Variant Classification Scheme 2023. Collection method: clinical testing. Allele origin: germline.
Comment: The c.3095_3096delGCinsAA variant, located in coding exon 4 of the MSH6 gene, results from a deletion of GC and insertion of AA at nucleotide positions 3095 to 3096 causing a predicted alternate stop codon (p.C1032*). This variant is considered to be rare based on population cohorts in the Genome Aggregation Database (gnomAD). This alteration is expected to result in loss of function by premature protein truncation or nonsense-mediated mRNA decay. As such, this alteration is interpreted as a disease-causing mutation.

NM_000179.3(MSH6):c.3095_3096delinsAA (p.Cys1032Ter)

Gene: MSH6 (mutS homolog 6; plus strand). Cytogenetic location: 2p16.3.
Variant type: Indel.
Coding change: c.3095_3096delinsAA on transcript NM_000179.3 (MANE Select); coding-DNA positions 3095 to 3096, GC replaced by AA.
Protein change: p.Cys1032Ter; replaces cysteine 1032 with a stop codon.
Molecular consequence: nonsense. On other transcripts: non-coding transcript variant (5), intron variant (2).
Genome position (GRCh38, 1-based): chr2:47,801,078-47,801,079, GC replaced by AA. VCF-style: chr2-47801078-GC-AA. GRCh37 (hg19) VCF-style: chr2-48028217-GC-AA.
Other names: c.2705_2706delinsAA, p.Cys902Ter (NM_001281492.2); c.2189_2190delinsAA, p.Cys730Ter (NM_001281493.2, NM_001281494.2, NM_001406811.1 and 6 more transcripts); c.3191_3192delinsAA, p.Cys1064Ter (NM_001406795.1, NM_001406802.1); c.3095_3096delinsAA, p.Cys1032Ter (NM_001406796.1, NM_001406798.1, NM_001406800.1 and 2 more transcripts); c.2798_2799delinsAA, p.Cys933Ter (NM_001406797.1, NM_001406801.1, NM_001406805.1 and 10 more transcripts); c.2570_2571delinsAA, p.Cys857Ter (NM_001406799.1, NM_001406806.1, NM_001406807.1); c.3017_3018delinsAA, p.Cys1006Ter (NM_001406804.1); c.3101_3102delinsAA, p.Cys1034Ter (NM_001406813.1); and 4 more; short protein forms C347*, C902*, C933*, C730*, C1034*, C857*, C1006*, C1032*.
Identifiers: ClinVar variation 3913748 (VCV003913748.1).